The following is an entry in ClinVar:

ClinVar aggregate classification (germline): Conflicting classifications of pathogenicity. Review status: criteria provided, conflicting classifications (1 of 4 stars). 5 submissions from 5 submitters: Uncertain significance (1); Benign (1); Likely benign (3). Last evaluated 2025-09-28.

Conditions:
Hereditary cancer-predisposing syndrome. Also called: Neoplastic Syndromes, Hereditary; Tumor predisposition; Hereditary neoplastic syndrome; Hereditary Cancer Syndrome. Identifiers: Orphanet 140162, MedGen C0027672, MeSH D009386, MONDO:0015356.
Hereditary diffuse gastric adenocarcinoma (HDGC). Also called: DIFFUSE GASTRIC AND LOBULAR BREAST CANCER SYNDROME. Identifiers: Orphanet 26106, MedGen C1708349, MONDO:0007648, OMIM 137215.

gnomAD v4.1: 1 of 1,614,184 alleles (0.000062%); highest among the groups gnomAD compares: Non-Finnish European, 0.000085%; no homozygotes.

Submissions (5):

Labcorp Genetics (formerly Invitae), Labcorp
Classification: Likely benign for Hereditary diffuse gastric adenocarcinoma. Last evaluated: 2025-09-28. Review status: criteria provided, single submitter. Criteria: Invitae Variant Classification Sherloc (09022015). Collection method: clinical testing. Allele origin: germline.

Myriad Genetics, Inc.
Classification: Benign for Hereditary diffuse gastric adenocarcinoma. Last evaluated: 2024-09-12. Review status: criteria provided, single submitter. Criteria: Myriad Autosomal Dominant, Autosomal Recessive and X-Linked Classification Criteria (2023). Collection method: clinical testing. Allele origin: unknown.
Comment: This variant is considered benign. This variant is a silent/synonymous amino acid change and it is not expected to impact splicing.

European Reference Network on Genetic Tumour Risk Syndromes (ERN-GENTURIS), i3s - Instituto de Investigação e Inovação em Saúde, University of Porto
Classification: Uncertain significance for Hereditary diffuse gastric adenocarcinoma. Last evaluated: 2022-08-01. Review status: criteria provided, single submitter. Criteria: Lee et al. (Hum Mutat. 2018). Collection method: clinical testing. Allele origin: germline. Inheritance: Autosomal dominant inheritance. Affected: no. Study: ERN GENTURIS.
Comment: PM2 (PMID: 30311375)

Ambry Genetics
Classification: Likely benign for Hereditary cancer-predisposing syndrome. Last evaluated: 2019-08-09. Review status: criteria provided, single submitter. Criteria: Ambry Variant Classification Scheme 2023. Collection method: clinical testing. Allele origin: germline.

Color Diagnostics, LLC DBA Color Health
Classification: Likely benign for Hereditary cancer-predisposing syndrome. Last evaluated: 2018-03-01. Review status: criteria provided, single submitter. Criteria: ACMG Guidelines, 2015. Collection method: clinical testing. Allele origin: germline.

Literature cited by the submitters: PubMed 36436516 (cited by European Reference Network on Genetic Tumour Risk Syndromes (ERN-GENTURIS), i3s - Instituto de Investigação e Inovação em Saúde, University of Porto).

NM_004360.5(CDH1):c.249T>C (p.Ile83=)

Gene: CDH1 (cadherin 1; plus strand). Cytogenetic location: 16q22.1.
Variant type: single nucleotide variant.
Coding change: c.249T>C on transcript NM_004360.5 (MANE Select); coding-DNA position 249, T replaced by C.
Protein change: p.Ile83=; no amino-acid change (isoleucine 83 retained).
Molecular consequence: synonymous variant. On other transcripts: 5 prime UTR variant (2).
Genome position (GRCh38, 1-based): chr16:68,801,755, T>C. VCF-style: chr16-68801755-T-C. GRCh37 (hg19) VCF-style: chr16-68835658-T-C.
Other names: c.249T>C (LRG_301t1); c.249T>C, p.Ile83= (NM_001317184.2); c.-1367T>C (NM_001317185.2); c.-1571T>C (NM_001317186.2).
Identifiers: ClinVar variation 239899 (VCV000239899.18), dbSNP rs878854687, ClinGen allele CA10583405.